The following is an entry in ClinVar:

NM_001854.4(COL11A1):c.1654A>G (p.Lys552Glu)

Gene: COL11A1 (collagen type XI alpha 1 chain; minus strand). Cytogenetic location: 1p21.1.
Variant type: single nucleotide variant.
Coding change: c.1654A>G on transcript NM_001854.4 (MANE Select); coding-DNA position 1654, A replaced by G.
Protein change: p.Lys552Glu; replaces lysine 552 with glutamic acid.
Molecular consequence: missense variant. On other transcripts: non-coding transcript variant (1).
Genome position (GRCh38, 1-based): chr1:103,008,492, T>C on the plus strand (A>G on the coding strand, the complement: COL11A1 is on the minus strand). VCF-style: chr1-103008492-T-C. GRCh37 (hg19) VCF-style: chr1-103474048-T-C.
Other names: c.1537A>G, p.Lys513Glu (NM_001190709.2); c.1690A>G, p.Lys564Glu (NM_080629.3); c.1306A>G, p.Lys436Glu (NM_080630.4); short protein forms K436E, K513E, K552E, K564E.
Identifiers: ClinVar variation 1194638 (VCV001194638.11), dbSNP rs1377225041, ClinGen allele CA341175529.

ClinVar aggregate classification (germline): Uncertain significance. Review status: criteria provided, multiple submitters, no conflicts (2 of 4 stars). 3 submissions from 3 submitters: Uncertain significance (3). Last evaluated 2025-04-16.

Allele frequency attached by ClinVar (database versions not stated): gnomAD exomes below 0.00001; TOPMed 0.00001; gnomAD 0.00002.
gnomAD v4.1: 7 of 1,613,864 alleles (0.00043%); highest among the groups gnomAD compares: Non-Finnish European, 0.00059%; no homozygotes.

Submissions (3):

Labcorp Genetics (formerly Invitae), Labcorp
Classification: Uncertain significance. Last evaluated: 2025-04-16. Review status: criteria provided, single submitter. Criteria: Invitae Variant Classification Sherloc (09022015). Collection method: clinical testing. Allele origin: germline.
Comment: This sequence change replaces lysine, which is basic and polar, with glutamic acid, which is acidic and polar, at codon 552 of the COL11A1 protein (p.Lys552Glu). This variant is present in population databases (no rsID available, gnomAD 0.0009%). This variant has not been reported in the literature in individuals affected with COL11A1-related conditions. ClinVar contains an entry for this variant (Variation ID: 1194638). Invitae Evidence Modeling of protein sequence and biophysical properties (such as structural, functional, and spatial information, amino acid conservation, physicochemical variation, residue mobility, and thermodynamic stability) indicates that this missense variant is expected to disrupt COL11A1 protein function with a positive predictive value of 80%. In summary, the available evidence is currently insufficient to determine the role of this variant in disease. Therefore, it has been classified as a Variant of Uncertain Significance.

GeneDx
Classification: Uncertain significance. Last evaluated: 2020-02-06. Review status: criteria provided, single submitter. Criteria: GeneDx Variant Classification Process June 2021. Collection method: clinical testing. Allele origin: germline. Affected: yes.
Comment: Has not been previously published as pathogenic or benign to our knowledge; In silico analysis supports that this missense variant has a deleterious effect on protein structure/function; Not observed in large population cohorts (Lek et al., 2016)

Blueprint Genetics
Classification: Uncertain significance. Last evaluated: 2019-11-30. Review status: criteria provided, single submitter. Criteria: ACMG Guidelines, 2015. Collection method: clinical testing. Allele origin: germline.